The following is an entry in ClinVar:

ClinVar aggregate classification (germline): Uncertain significance. Review status: criteria provided, multiple submitters, no conflicts (2 of 4 stars). 2 submissions from 2 submitters: Uncertain significance (2). Last evaluated 2025-04-19.

Conditions:
Hypertrichotic osteochondrodysplasia Cantu type. Also called: Cantu Syndrome; Cantú Syndrome. Identifiers: Orphanet 1517, MedGen C0795905, MONDO:0009406, OMIM 239850.
Dilated cardiomyopathy 1O (CMD1O). Also called: CARDIOMYOPATHY, DILATED, WITH VENTRICULAR TACHYCARDIA. Identifiers: Orphanet 154, MedGen C1837839, MONDO:0012062, OMIM 608569.

Submissions (2):

Labcorp Genetics (formerly Invitae), Labcorp
Classification: Uncertain significance for Dilated cardiomyopathy 1O. Last evaluated: 2025-04-19. Review status: criteria provided, single submitter. Criteria: Invitae Variant Classification Sherloc (09022015). Collection method: clinical testing. Allele origin: germline.
Comment: This sequence change replaces isoleucine, which is neutral and non-polar, with threonine, which is neutral and polar, at codon 1103 of the ABCC9 protein (p.Ile1103Thr). This variant is not present in population databases (gnomAD no frequency). This variant has not been reported in the literature in individuals affected with ABCC9-related conditions. ClinVar contains an entry for this variant (Variation ID: 3363124). Invitae Evidence Modeling of protein sequence and biophysical properties (such as structural, functional, and spatial information, amino acid conservation, physicochemical variation, residue mobility, and thermodynamic stability) has been performed for this missense variant. However, the output from this modeling did not meet the statistical confidence thresholds required to predict the impact of this variant on ABCC9 protein function. In summary, the available evidence is currently insufficient to determine the role of this variant in disease. Therefore, it has been classified as a Variant of Uncertain Significance.

Genomic Medicine Center of Excellence, King Faisal Specialist Hospital and Research Centre
Classification: Uncertain significance for Hypertrichotic osteochondrodysplasia Cantu type. Last evaluated: 2024-10-13. Review status: criteria provided, single submitter. Criteria: ACMG Guidelines, 2015. Collection method: clinical testing. Allele origin: germline.
Comment: This variant (GRCh38; Chr12; g.21997424A>G) results in a missense mutation with the conversion of Isoleucine (Nonpolar amino acid) to Threonine (Polar amino acid) in the ABCC9 protein. To our knowledge, no experimental evidence demonstrating an impact on protein function has been reported. There is insufficient data to determine whether the variant is benign or pathogenic. Not observed at significant frequency in large population cohorts (gnomAD) To our knowledge this variant not been previously curated or reported in public Database. Based on insufficient or conflicting evidence, the clinical significance of this alteration remains unclear. A literature search was performed for the gene and associated variants. Based on this search no publications were found. Based on conflicting evidence or insufficient data to determine whether the variant is benign or pathogenic, the clinical significance of this alteration remains unclear. In summary, this variant meets our criteria for classification as of Unknown Clinical Significance based on the evidence outlined.

NM_020297.4(ABCC9):c.3308T>C (p.Ile1103Thr)

Gene: ABCC9 (ATP binding cassette subfamily C member 9; minus strand). Cytogenetic location: 12p12.1.
Variant type: single nucleotide variant.
Coding change: c.3308T>C on transcript NM_020297.4 (MANE Select); coding-DNA position 3308, T replaced by C.
Protein change: p.Ile1103Thr; replaces isoleucine 1103 with threonine.
Molecular consequence: missense variant.
Genome position (GRCh38, 1-based): chr12:21,844,490, A>G on the plus strand (T>C on the coding strand, the complement: ABCC9 is on the minus strand). VCF-style: chr12-21844490-A-G. GRCh37 (hg19) VCF-style: chr12-21997424-A-G.
Other names: c.3308T>C, p.Ile1103Thr (NM_001377273.1, NM_005691.4); c.2441T>C, p.Ile814Thr (NM_001377274.1); short protein forms I1103T, I814T.
Identifiers: ClinVar variation 3363124 (VCV003363124.2).